The following is an entry in ClinVar:

ClinVar aggregate classification (germline): Uncertain significance (1 of 4 stars; one submission).

Submission:

Greenwood Genetic Center Diagnostic Laboratories, Greenwood Genetic Center
Classification: Uncertain significance. Last evaluated: 2023-01-09. Review status: criteria provided, single submitter. Criteria: ACMG Guidelines, 2015. Collection method: clinical testing. Allele origin: germline. Affected: yes.
Comment: No Applicable ACMG Criteria

NM_001161352.2(KCNMA1):c.1440+2del

Gene: KCNMA1 (potassium calcium-activated channel subfamily M alpha 1; minus strand). Cytogenetic location: 10q22.3.
Variant type: Deletion.
Coding change: c.1440+2del on transcript NM_001161352.2 (MANE Select); the canonical splice donor site of the intron after coding-DNA position 1440, one base deleted (T; older notation c.1440+2delT).
Molecular consequence: splice donor variant.
Genome position (GRCh38, 1-based): chr10:77,086,486, A deleted on the plus strand (T on the coding strand, the reverse complement: KCNMA1 is on the minus strand). VCF-style (leftmost placement, unchanged base first): chr10-77086485-TA-T. GRCh37 (hg19) VCF-style: chr10-78846243-TA-T.
Other names: c.1278+2del (NM_001271518.2); c.1440+2del (NM_001322832.2, NM_001410940.1, NM_001322829.2 and 8 more transcripts); c.900+2del (NM_001322838.2).
Identifiers: ClinVar variation 2505182 (VCV002505182.1), dbSNP rs2550870886, ClinGen allele CA2580615521.
Genomic context (GRCh38, chr10:77,086,485, plus strand): 5'-CAGGACTCCCCCCAGACCCACACCAAGATGGAATAAAAGCAGAAGTCACCTCTTCCTCCT[TA>T]CCTTGACTCTTGCAAGATCATGTGGATTGAGGACGGAACCCTGATAAAATTCCACCTGAG-3'